The following is an entry in ClinVar:

NM_182914.3(SYNE2):c.19738A>G (p.Asn6580Asp)

Gene: SYNE2 (spectrin repeat containing nuclear envelope protein 2; plus strand). Cytogenetic location: 14q23.2.
Variant type: single nucleotide variant.
Coding change: c.19738A>G on transcript NM_182914.3 (MANE Select); coding-DNA position 19738, A replaced by G.
Protein change: p.Asn6580Asp; replaces asparagine 6580 with aspartic acid.
Molecular consequence: missense variant.
Genome position (GRCh38, 1-based): chr14:64,219,288, A>G. VCF-style: chr14-64219288-A-G. GRCh37 (hg19) VCF-style: chr14-64686006-A-G.
Other names: c.19669A>G, p.Asn6557Asp (NM_015180.6); c.262A>G, p.Asn88Asp (NM_182910.2); c.640A>G, p.Asn214Asp (NM_182913.4); short protein forms N214D, N6557D, N6580D, N88D.
Identifiers: ClinVar variation 2414405 (VCV002414405.5), dbSNP rs1304115322, ClinGen allele CA389964315.

ClinVar aggregate classification (germline): Uncertain significance (1 of 4 stars; one submission).

Conditions:
Emery-Dreifuss muscular dystrophy 5, autosomal dominant (EDMD5). Also called: EMERY-DREIFUSS MUSCULAR DYSTROPHY 5. Identifiers: Orphanet 261, MedGen C2751805, MONDO:0013072, OMIM 612999.

gnomAD v4.1: 3 of 1,614,102 alleles (0.00019%); highest among the groups gnomAD compares: Admixed American, 0.005%; no homozygotes.

Submission:

Labcorp Genetics (formerly Invitae), Labcorp
Classification: Uncertain significance for Emery-Dreifuss muscular dystrophy 5, autosomal dominant. Last evaluated: 2022-01-19. Review status: criteria provided, single submitter. Criteria: Invitae Variant Classification Sherloc (09022015). Collection method: clinical testing. Allele origin: germline.
Comment: In summary, the available evidence is currently insufficient to determine the role of this variant in disease. Therefore, it has been classified as a Variant of Uncertain Significance. Algorithms developed to predict the effect of missense changes on protein structure and function output the following: SIFT: "Tolerated"; PolyPhen-2: "Benign"; Align-GVGD: "Class C0". The aspartic acid amino acid residue is found in multiple mammalian species, which suggests that this missense change does not adversely affect protein function. This variant has not been reported in the literature in individuals affected with SYNE2-related conditions. This variant is present in population databases (no rsID available, gnomAD 0.009%). This sequence change replaces asparagine, which is neutral and polar, with aspartic acid, which is acidic and polar, at codon 6580 of the SYNE2 protein (p.Asn6580Asp).